The following is an entry in ClinVar:

ClinVar aggregate classification (germline): Likely pathogenic (1 of 4 stars; one submission).

Conditions:
Glycine encephalopathy. Also called: Nonketotic hyperglycinemia; Non-ketotic hyperglycinemia. Identifiers: Orphanet 407, MedGen C0751748, MONDO:0011612, HP:0008288.

Submission:

Labcorp Genetics (formerly Invitae), Labcorp
Classification: Likely pathogenic for Glycine encephalopathy. Last evaluated: 2022-12-16. Review status: criteria provided, single submitter. Criteria: Invitae Variant Classification Sherloc (09022015). Collection method: clinical testing. Allele origin: germline.
Comment: In summary, the currently available evidence indicates that the variant is pathogenic, but additional data are needed to prove that conclusively. Therefore, this variant has been classified as Likely Pathogenic. This sequence change affects an acceptor splice site in intron 4 of the GLDC gene. It is expected to disrupt RNA splicing. Variants that disrupt the donor or acceptor splice site typically lead to a loss of protein function (PMID: 16199547), and loss-of-function variants in GLDC are known to be pathogenic (PMID: 16601880). This variant is not present in population databases (gnomAD no frequency). This variant has not been reported in the literature in individuals affected with GLDC-related conditions. Algorithms developed to predict the effect of sequence changes on RNA splicing suggest that this variant may disrupt the consensus splice site.

Literature cited by the submitters: PubMed 16199547; PubMed 16601880.

NM_000170.3(GLDC):c.636-2A>G

Gene: GLDC (glycine decarboxylase; minus strand). Cytogenetic location: 9p24.1.
Variant type: single nucleotide variant.
Coding change: c.636-2A>G on transcript NM_000170.3 (MANE Select); the canonical splice acceptor site of the intron before coding-DNA position 636, A replaced by G.
Molecular consequence: splice acceptor variant.
Genome position (GRCh38, 1-based): chr9:6,606,671, T>C on the plus strand (A>G on the coding strand, the complement: GLDC is on the minus strand). VCF-style: chr9-6606671-T-C. GRCh37 (hg19) VCF-style: chr9-6606671-T-C.
Identifiers: ClinVar variation 2821530 (VCV002821530.3), dbSNP rs1818740811, ClinGen allele CA372897838.
Genomic context (GRCh38, chr9:6,606,671, plus strand): 5'-CAGCTATTGTCTGTGGGTGGCAACGGGGATCAACGAGAAATTTCCTCCTCTTGTTGTGTC[T>C]GTTGAAAAGAAAAAGCACATTCCAACGTGAACATTAAATAAATAGGACTATCTTCTAAGA-3'